The following is an entry in ClinVar:

NM_001283009.2(RTEL1):c.1189C>G (p.Gln397Glu)

Genes: RTEL1 (regulator of telomere elongation helicase 1; plus strand), RTEL1-TNFRSF6B (RTEL1-TNFRSF6B readthrough (NMD candidate); plus strand). Cytogenetic location: 20q13.33.
Variant type: single nucleotide variant.
Coding change: c.1189C>G on transcript NM_001283009.2 (MANE Select); coding-DNA position 1189, C replaced by G.
Protein change: p.Gln397Glu; replaces glutamine 397 with glutamic acid.
Molecular consequence: missense variant. On other transcripts: non-coding transcript variant (1).
Genome position (GRCh38, 1-based): chr20:63,680,717, C>G. VCF-style: chr20-63680717-C-G. GRCh37 (hg19) VCF-style: chr20-62312070-C-G.
Other names: p.Gln421Glu; c.520C>G, p.Gln174Glu (NM_001283010.1); c.1189C>G, p.Gln397Glu (NM_016434.4); c.1261C>G, p.Gln421Glu (NM_032957.5); short protein forms Q397E, Q421E, Q174E.
Identifiers: ClinVar variation 570339 (VCV000570339.21), dbSNP rs150285674, ClinGen allele CA9964644.

ClinVar aggregate classification (germline): Conflicting classifications of pathogenicity. Review status: criteria provided, conflicting classifications (1 of 4 stars). 8 submissions from 8 submitters: Uncertain significance (5); Likely benign (2). 1 of the submissions does not count toward it. Last evaluated 2026-02-01.

Conditions:
RTEL1-related disorder. Also called: RTEL1-related disorders; RTEL1-related condition.
Dyskeratosis congenita, autosomal recessive 5 (DKCB5). Identifiers: MedGen C3554656, MONDO:0014076, OMIM 615190.
Pulmonary fibrosis and/or bone marrow failure, Telomere-related, 3. Also called: PULMONARY FIBROSIS AND/OR BONE MARROW FAILURE SYNDROME, TELOMERE-RELATED, 3. Identifiers: Orphanet 2032, MedGen C4225346, MONDO:0014613, OMIM 616373.
Dyskeratosis congenita. Identifiers: Orphanet 1775, MedGen C0265965, MONDO:0015780.

Allele frequency attached by ClinVar (database versions not stated): gnomAD 0.00043 and 0.00044; TOPMed 0.00043; 1000 Genomes Project 30x 0.00047; ESP Exome Variant Server 0.00054; ExAC 0.00059; gnomAD exomes 0.00059 and 0.00078; 1000 Genomes Project 0.00060.
gnomAD v4.1: 1,191 of 1,613,384 alleles (0.074%); highest among the groups gnomAD compares: South Asian, 0.13%; 2 homozygotes.

Submissions (8):

Labcorp Genetics (formerly Invitae), Labcorp
Classification: Uncertain significance for Dyskeratosis congenita, autosomal recessive 5; Pulmonary fibrosis and/or bone marrow failure, Telomere-related, 3. Last evaluated: 2026-02-01. Review status: criteria provided, single submitter. Criteria: Invitae Variant Classification Sherloc (09022015). Collection method: clinical testing. Allele origin: germline.
Comment: This sequence change replaces glutamine, which is neutral and polar, with glutamic acid, which is acidic and polar, at codon 397 of the RTEL1 protein (p.Gln397Glu). This variant is present in population databases (rs150285674, gnomAD 0.2%), including at least one homozygous and/or hemizygous individual. This missense change has been observed in individual(s) with autosomal dominant bone marrow failure or familial interstitial pneumonia or telomere biology disorder and/or autosomal recessive dyskeratosis congenita (PMID: 28495916, 29344583, 29361909, 29891356, 37216690). This variant is also known as c.1261C>G (p.Gln421Glu). ClinVar contains an entry for this variant (Variation ID: 570339). An algorithm developed to predict the effect of missense changes on protein structure and function (PolyPhen-2) suggests that this variant is likely to be disruptive. In summary, the available evidence is currently insufficient to determine the role of this variant in disease. Therefore, it has been classified as a Variant of Uncertain Significance.

PreventionGenetics, part of Exact Sciences
Classification: Likely benign for RTEL1-related condition. Last evaluated: 2025-12-02. Review status: criteria provided, single submitter. Criteria: ACMG Guidelines, 2015. Collection method: clinical testing. Allele origin: germline.
Comment: This variant is classified as likely benign based on ACMG/AMP sequence variant interpretation guidelines (Richards et al. 2015 PMID: 25741868, with internal and published modifications).

CeGaT Center for Human Genetics Tuebingen
Classification: Uncertain significance. Last evaluated: 2025-08-01. Review status: criteria provided, single submitter. Criteria: CeGaT Center For Human Genetics Tuebingen Variant Classification Criteria Version 2. Collection method: clinical testing. Allele origin: germline. Affected: yes. Observed: 2 variant alleles.
Comment: RTEL1: PM2

Mayo Clinic Laboratories, Mayo Clinic
Classification: Likely benign. Last evaluated: 2025-01-10. Review status: criteria provided, single submitter. Criteria: ACMG Guidelines, 2015. Collection method: clinical testing. Allele origin: germline. Observed: 2 variant alleles.
Comment: BS1

Blueprint Genetics
Classification: Uncertain significance. Last evaluated: 2024-11-26. Review status: criteria provided, single submitter. Criteria: ACMG Guidelines, 2015. Collection method: clinical testing. Allele origin: germline.

Fulgent Genetics
Classification: Uncertain significance for Dyskeratosis congenita, autosomal recessive 5; Pulmonary fibrosis and/or bone marrow failure, Telomere-related, 3. Last evaluated: 2024-06-20. Review status: criteria provided, single submitter. Criteria: ACMG Guidelines, 2015. Collection method: clinical testing. Allele origin: germline.

Sema4
Classification: Uncertain significance for Dyskeratosis congenita. Last evaluated: 2022-02-12. Review status: criteria provided, single submitter. Criteria: Sema4 Curation Guidelines. Collection method: curation. Allele origin: germline.
Comment: The RTEL1 c.1189C>G (p.Q397E) variant has been reported in individuals with idiopathic cytopenia, thrombocytopenia and aplastic anemia, dyskeratosis congenita, breast cancer, lung cancer, idiopathic pulmonary fibrosis as well as in controls (PMID: 29344583, 28495916, 30303537, 29891356, 29981437). It was observed in 49/30612 chromosomes of the South Asian subpopulation including one homozygote in the large and broad cohorts of the Genome Aggregation Database (PMID: 32461654). The variant has been reported in ClinVar (Variation ID 570339). Functional studies have not been performed, and in silico predictions of the variant's effect on protein function are inconclusive. The evidence is insufficient to meet ACMG/AMP criteria for classifying the variant as benign or pathogenic. Thus, the clinical significance of this variant is currently uncertain. Please note that the nomenclature of this variant is RTEL1 c.1261C>G (p.Gln421Glu) using the NM_032957.4 reference transcript. The interpretation is not changed.

Natera, Inc.
Classification: Uncertain significance for Dyskeratosis congenita. Last evaluated: 2020-09-16. Review status: no assertion criteria provided. Collection method: clinical testing. Allele origin: germline. Not counted in ClinVar's aggregate classification.

Literature cited by the submitters: PubMed 28495916 (cited by 3 submitters); PubMed 29344583 (cited by 3 submitters); PubMed 29361909 (cited by Labcorp Genetics (formerly Invitae), Labcorp); PubMed 29891356 (cited by Labcorp Genetics (formerly Invitae), Labcorp and Sema4); PubMed 37216690 (cited by Labcorp Genetics (formerly Invitae), Labcorp and Mayo Clinic Laboratories, Mayo Clinic); PubMed 30303537 (cited by Mayo Clinic Laboratories, Mayo Clinic and Sema4); PubMed 38282561 (cited by Mayo Clinic Laboratories, Mayo Clinic); PubMed 29981437 (cited by Sema4).